The following is an entry in ClinVar:

NM_144687.4(NLRP12):c.2640_2641del (p.Ser881fs)

Gene: NLRP12 (NLR family pyrin domain containing 12; minus strand). Cytogenetic location: 19q13.42.
Variant type: Deletion.
Coding change: c.2640_2641del on transcript NM_144687.4 (MANE Select); coding-DNA positions 2640 to 2641, 2 bases deleted (CA; older notation c.2640_2641delCA).
Protein change: p.Ser881fs; shifts the reading frame from serine 881.
Molecular consequence: frameshift variant.
Genome position (GRCh38, 1-based): chr19:53,801,342-53,801,343, TG deleted on the plus strand (CA on the coding strand, the reverse complement: NLRP12 is on the minus strand). VCF-style (leftmost placement, unchanged base first): chr19-53801341-CTG-C. GRCh37 (hg19) VCF-style: chr19-54304595-CTG-C.
Other names: c.2643_2644del, p.Ser882fs (NM_001277126.2); c.2640_2641del, p.Ser881fs (NM_001277129.1); short protein forms S882fs, S881fs.
Identifiers: ClinVar variation 3698482 (VCV003698482.2).

ClinVar aggregate classification (germline): Uncertain significance (1 of 4 stars; one submission).

Conditions:
Familial cold autoinflammatory syndrome 2 (FCAS2). Identifiers: Orphanet 247868, MedGen C2673198, MONDO:0012724, OMIM 611762.

Submission:

Labcorp Genetics (formerly Invitae), Labcorp
Classification: Uncertain significance for Familial cold autoinflammatory syndrome 2. Last evaluated: 2024-02-20. Review status: criteria provided, single submitter. Criteria: Invitae Variant Classification Sherloc (09022015). Collection method: clinical testing. Allele origin: germline.
Comment: This sequence change creates a premature translational stop signal (p.Ser881Cysfs*14) in the NLRP12 gene. It is expected to result in an absent or disrupted protein product. However, the current clinical and genetic evidence is not sufficient to establish whether loss-of-function variants in NLRP12 cause disease. This variant is not present in population databases (gnomAD no frequency). This variant has not been reported in the literature in individuals affected with NLRP12-related conditions. In summary, the available evidence is currently insufficient to determine the role of this variant in disease. Therefore, it has been classified as a Variant of Uncertain Significance.